The following is an entry in ClinVar:

NM_000250.2(MPO):c.1363C>T (p.Gln455Ter)

Genes: MPO (myeloperoxidase; minus strand), LOC106694316 (enhancer region in introns 7-9 of MPO; plus strand). Cytogenetic location: 17q22.
Variant type: single nucleotide variant.
Coding change: c.1363C>T on transcript NM_000250.2 (MANE Select); coding-DNA position 1363, C replaced by T.
Protein change: p.Gln455Ter; replaces glutamine 455 with a stop codon.
Molecular consequence: nonsense.
Genome position (GRCh38, 1-based): chr17:58,275,544, G>A on the plus strand (C>T on the coding strand, the complement: MPO is on the minus strand). VCF-style: chr17-58275544-G-A. GRCh37 (hg19) VCF-style: chr17-56352905-G-A.
Other names: short protein forms Q455*.
Identifiers: ClinVar variation 4985097 (VCV004985097.1).

ClinVar aggregate classification (germline): Likely pathogenic (1 of 4 stars; one submission).

Conditions:
MPO-related disorder. Also called: MPO-related condition.

Submission:

PreventionGenetics, part of Exact Sciences
Classification: Likely pathogenic for MPO-related condition. Last evaluated: 2025-04-24. Review status: criteria provided, single submitter. Criteria: ACMG Guidelines, 2015. Collection method: clinical testing. Allele origin: germline.
Comment: The MPO c.1363C>T variant is predicted to result in premature protein termination (p.Gln455*). To our knowledge, this variant has not been reported in the literature. This variant is reported in 0.0018% of alleles in individuals of European (Non-Finnish) descent in gnomAD. Nonsense variants in MPO are expected to be pathogenic. This variant is interpreted as likely pathogenic.